The following is an entry in ClinVar:

NC_000005.10:g.1295234A>G

Genes: TERT (telomerase reverse transcriptase; minus strand), LOC110806263 (TERT 5' regulatory region; plus strand). Cytogenetic location: 5p15.33.
Variant type: single nucleotide variant.
Genome position: GRCh38 VCF-style: chr5-1295234-A-G. GRCh37 (hg19) VCF-style: chr5-1295349-A-G.
Identifiers: ClinVar variation 539240 (VCV000539240.18), dbSNP rs2853669, ClinGen allele CA11957810.

ClinVar aggregate classification (germline): Benign. Review status: criteria provided, multiple submitters, no conflicts (2 of 4 stars). 4 submissions from 4 submitters: Benign (4). Last evaluated 2026-02-02.

Conditions:
Idiopathic Pulmonary Fibrosis. Also called: Idiopathic fibrosing alveolitis, chronic form; idiopathic fibrosing alveolitis. Identifiers: Orphanet 2032, MedGen C1800706, MeSH D054990, MONDO:0800504.
Dyskeratosis congenita, autosomal dominant 2. Identifiers: MedGen C3151443, MONDO:0013521, OMIM 613989.

Allele frequency attached by ClinVar (database versions not stated): TOPMed 0.24610; gnomAD 0.25287 and 0.24174; 1000 Genomes Project 30x 0.29185; 1000 Genomes Project 0.29792.

Submissions (4):

Labcorp Genetics (formerly Invitae), Labcorp
Classification: Benign for Dyskeratosis congenita, autosomal dominant 2; Idiopathic Pulmonary Fibrosis. Last evaluated: 2026-02-02. Review status: criteria provided, single submitter. Criteria: Invitae Variant Classification Sherloc (09022015). Collection method: clinical testing. Allele origin: germline.

Genetic Services Laboratory, University of Chicago
Classification: Benign. Last evaluated: 2019-10-31. Review status: criteria provided, single submitter. Criteria: ACMG Guidelines, 2015. Collection method: clinical testing. Allele origin: germline. Affected: no.

GeneDx
Classification: Benign. Last evaluated: 2018-10-24. Review status: criteria provided, single submitter. Criteria: GeneDx Variant Classification Process June 2021. Collection method: clinical testing. Allele origin: germline. Affected: yes.
Comment: This variant is associated with the following publications: (PMID: 26298771, 26575952, 30610818, 31395865, 29534075, 25680408, 16737810, 23348503, 24101484)

Breakthrough Genomics
Classification: Benign. Review status: criteria provided, single submitter. Criteria: ACMG Guidelines, 2015. Collection method: not provided. Allele origin: germline. Inheritance: Autosomal dominant inheritance. Affected: yes.